The following is an entry in ClinVar:

ClinVar aggregate classification (germline): Pathogenic (1 of 4 stars; one submission).

Conditions:
Primary ciliary dyskinesia 2. Also called: CILIARY DYSKINESIA, PRIMARY, 2, WITH OR WITHOUT SITUS INVERSUS. Identifiers: Orphanet 244, MedGen C1847554, MONDO:0011718, OMIM 606763.

Submission:

Juno Genomics, Hangzhou Juno Genomics, Inc
Classification: Pathogenic for Primary ciliary dyskinesia 2. Review status: criteria provided, single submitter. Criteria: ACMG Guidelines, 2015. Collection method: clinical testing. Allele origin: germline.
Comment: Absent from controls (or at extremely low frequency if recessive) in Genome Aggregation Database.;Null variant in a gene where loss of function (LOF) is a known mechanism of disease.;For recessive disorders, detected in trans with a pathogenic variant.;Patient's phenotype or family history is highly specific for a disease with a single genetic etiology.

NM_001256715.2(DNAAF3):c.475del (p.Leu159fs)

Genes: DNAAF3 (dynein axonemal assembly factor 3; minus strand), DNAAF3-AS1 (DNAAF3 antisense RNA 1; plus strand). Cytogenetic location: 19q13.42.
Variant type: Deletion.
Coding change: c.475del on transcript NM_001256715.2 (MANE Select); coding-DNA position 475, one base deleted (C; older notation c.475delC).
Protein change: p.Leu159fs; shifts the reading frame from leucine 159.
Molecular consequence: frameshift variant.
Genome position (GRCh38, 1-based): chr19:55,162,138, G deleted on the plus strand (C on the coding strand, the reverse complement: DNAAF3 is on the minus strand); the first of 3 consecutive G bases (chr19:55,162,138-55,162,140); deleting any one gives the same sequence. VCF-style (leftmost placement, unchanged base first): chr19-55162137-AG-A. GRCh37 (hg19) VCF-style: chr19-55673505-AG-A.
Other names: c.679del, p.Leu227fs (NM_001256714.1); c.313del, p.Leu105fs (NM_001256716.2); c.616del, p.Leu206fs (NM_178837.4); short protein forms L105fs, L159fs, L227fs, L206fs.
Identifiers: ClinVar variation 5007658 (VCV005007658.2).